The following is an entry in ClinVar:

NM_001365536.1(SCN9A):c.5840_5842dup (p.Asp1947_Ala1948insAsp)

Genes: SCN9A (sodium voltage-gated channel alpha subunit 9; minus strand), SCN1A-AS1 (SCN1A and SCN9A antisense RNA 1; plus strand). Cytogenetic location: 2q24.3.
Variant type: Duplication.
Coding change: c.5840_5842dup on transcript NM_001365536.1 (MANE Select); coding-DNA positions 5840 to 5842, 3 bases duplicated (ATG; older notation c.5840_5842dupATG).
Protein change: p.Asp1947_Ala1948insAsp.
Molecular consequence: inframe insertion. On other transcripts: inframe indel (1).
Genome position (GRCh38, 1-based): chr2:166,198,797-166,198,799, CAT duplicated on the plus strand (ATG on the coding strand, the reverse complement: SCN9A is on the minus strand); duplicating any 3 consecutive bases within chr2:166,198,797-166,198,800 gives the same sequence; the c. name uses the placement nearest the transcript's 3' end. VCF-style (leftmost placement, unchanged base first): chr2-166198796-G-GCAT. GRCh37 (hg19) VCF-style: chr2-167055306-G-GCAT.
Other names: c.5806_5808dup, p.Asp1936_Ala1937insAsp (NM_002977.4).
Identifiers: ClinVar variation 846419 (VCV000846419.10), dbSNP rs1422307721, ClinGen allele CA760166393.

ClinVar aggregate classification (germline): Uncertain significance (1 of 4 stars; one submission).

Conditions:
Neuropathy, hereditary sensory and autonomic, type 2A (HSAN2A). Also called: HSAN IIA; ACROOSTEOLYSIS, GIACCAI TYPE; ACROOSTEOLYSIS, NEUROGENIC; MORVAN DISEASE; NEUROPATHY, CONGENITAL SENSORY; NEUROPATHY, HEREDITARY SENSORY RADICULAR, AUTOSOMAL RECESSIVE. Identifiers: Orphanet 970, MedGen C2752089, MONDO:0024309, OMIM 201300.
Generalized epilepsy with febrile seizures plus, type 7 (GEFSP7). Also called: GEFS+, TYPE 7. Identifiers: Orphanet 36387, MedGen C2751778, MONDO:0013470, OMIM 613863.

Submission:

Labcorp Genetics (formerly Invitae), Labcorp
Classification: Uncertain significance for Neuropathy, hereditary sensory and autonomic, type 2A; Generalized epilepsy with febrile seizures plus, type 7. Last evaluated: 2026-01-01. Review status: criteria provided, single submitter. Criteria: Invitae Variant Classification Sherloc (09022015). Collection method: clinical testing. Allele origin: germline.
Comment: This variant, c.5807_5809dup, results in the insertion of 1 amino acid(s) of the SCN9A protein (p.Asp1936dup), but otherwise preserves the integrity of the reading frame. This variant is not present in population databases (gnomAD no frequency). This variant has not been reported in the literature in individuals affected with SCN9A-related conditions. ClinVar contains an entry for this variant (Variation ID: 846419). Experimental studies and prediction algorithms are not available or were not evaluated, and the functional significance of this variant is currently unknown. In summary, the available evidence is currently insufficient to determine the role of this variant in disease. Therefore, it has been classified as a Variant of Uncertain Significance.